The following is an entry in ClinVar:

ClinVar aggregate classification (germline): Likely benign. Review status: criteria provided, multiple submitters, no conflicts (2 of 4 stars). 2 submissions from 2 submitters: Likely benign (2). Last evaluated 2026-03-01.

Conditions:
Inborn genetic diseases. Identifiers: MedGen C0950123, MeSH D030342.

Allele frequency attached by ClinVar (database versions not stated): gnomAD exomes 0.00001; TOPMed 0.00001.
gnomAD v4.1: 9 of 1,192,477 alleles (0.00075%); highest among the groups gnomAD compares: Admixed American, 0.021%; no homozygotes.

Submissions (2):

CeGaT Center for Human Genetics Tuebingen
Classification: Likely benign. Last evaluated: 2026-03-01. Review status: criteria provided, single submitter. Criteria: CeGaT Center For Human Genetics Tuebingen Variant Classification Criteria Version 2. Collection method: clinical testing. Allele origin: germline. Affected: yes. Observed: 1 variant allele.
Comment: PHF8: BP4, BP7, BS2

Ambry Genetics
Classification: Likely benign for Inborn genetic diseases. Last evaluated: 2019-11-26. Review status: criteria provided, single submitter. Criteria: Ambry Variant Classification Scheme 2023. Collection method: clinical testing. Allele origin: germline.

NM_015107.3(PHF8):c.2931C>T (p.Val977=)

Gene: PHF8 (PHD finger protein 8; minus strand). Cytogenetic location: Xp11.22.
Variant type: single nucleotide variant.
Coding change: c.2931C>T on transcript NM_015107.3 (MANE Select); coding-DNA position 2931, C replaced by T.
Protein change: p.Val977=; no amino-acid change (valine 977 retained).
Molecular consequence: synonymous variant.
Genome position (GRCh38, 1-based): chrX:53,940,235, G>A on the plus strand (C>T on the coding strand, the complement: PHF8 is on the minus strand). VCF-style: chrX-53940235-G-A. GRCh37 (hg19) VCF-style: chrX-53966668-G-A.
Other names: c.3039C>T, p.Val1013= (NM_001184896.1); c.2628C>T, p.Val876= (NM_001184897.2).
Identifiers: ClinVar variation 1797821 (VCV001797821.6), dbSNP rs1315181495, ClinGen allele CA516688959.